The following is an entry in ClinVar:

NM_000245.4(MET):c.1741C>T (p.Leu581=)

Gene: MET (MET proto-oncogene, receptor tyrosine kinase; plus strand). Cytogenetic location: 7q31.2.
Variant type: single nucleotide variant.
Coding change: c.1741C>T on transcript NM_000245.4 (MANE Select); coding-DNA position 1741, C replaced by T.
Protein change: p.Leu581=; no amino-acid change (leucine 581 retained).
Molecular consequence: synonymous variant.
Genome position (GRCh38, 1-based): chr7:116,755,394, C>T. VCF-style: chr7-116755394-C-T. GRCh37 (hg19) VCF-style: chr7-116395448-C-T.
Other names: c.1741C>T, p.Leu581= (NM_001127500.3, NM_001324401.3); c.451C>T, p.Leu151= (NM_001324402.2).
Identifiers: ClinVar variation 650401 (VCV000650401.13), dbSNP rs1584939151, ClinGen allele CA457216206.

ClinVar aggregate classification (germline): Benign/Likely benign. Review status: criteria provided, multiple submitters, no conflicts (2 of 4 stars). 3 submissions from 3 submitters: Benign (1); Likely benign (2). Last evaluated 2024-11-08.

Conditions:
Renal cell carcinoma. Identifiers: Orphanet 217071, MedGen C0007134, MeSH D002292, MONDO:0005086, HP:0005584.
Papillary renal cell carcinoma type 1 (RCCP1). Also called: Renal adenocarcinoma; Renal cell carcinoma 1; Renal cell carcinoma, somatic; RENAL CELL CARCINOMA, PAPILLARY, 1, SOMATIC. Identifiers: Orphanet 47044, MedGen C1336839, OMIM 605074, HP:0011797.
Hereditary cancer-predisposing syndrome. Also called: Neoplastic Syndromes, Hereditary; Tumor predisposition; Hereditary Cancer Syndrome; Hereditary neoplastic syndrome. Identifiers: Orphanet 140162, MedGen C0027672, MeSH D009386, MONDO:0015356.

Submissions (3):

Myriad Genetics, Inc.
Classification: Benign for Papillary renal cell carcinoma type 1. Last evaluated: 2024-11-08. Review status: criteria provided, single submitter. Criteria: Myriad Autosomal Dominant, Autosomal Recessive and X-Linked Classification Criteria (2023). Collection method: clinical testing. Allele origin: unknown.
Comment: This variant is considered benign. This variant is a silent/synonymous amino acid change and it is not expected to impact splicing.

Labcorp Genetics (formerly Invitae), Labcorp
Classification: Likely benign for Renal cell carcinoma. Last evaluated: 2024-02-17. Review status: criteria provided, single submitter. Criteria: Invitae Variant Classification Sherloc (09022015). Collection method: clinical testing. Allele origin: germline.

Ambry Genetics
Classification: Likely benign for Hereditary cancer-predisposing syndrome. Last evaluated: 2021-01-22. Review status: criteria provided, single submitter. Criteria: Ambry Variant Classification Scheme 2023. Collection method: clinical testing. Allele origin: germline.